The following is an entry in ClinVar:

NM_000038.6(APC):c.2027T>C (p.Ile676Thr)

Gene: APC (APC regulator of Wnt signaling pathway; plus strand). Cytogenetic location: 5q22.2.
Variant type: single nucleotide variant.
Coding change: c.2027T>C on transcript NM_000038.6 (MANE Select); coding-DNA position 2027, T replaced by C.
Protein change: p.Ile676Thr; replaces isoleucine 676 with threonine.
Molecular consequence: missense variant. On other transcripts: non-coding transcript variant (2).
Genome position (GRCh38, 1-based): chr5:112,837,621, T>C. VCF-style: chr5-112837621-T-C. GRCh37 (hg19) VCF-style: chr5-112173318-T-C.
Other names: c.2027T>C, p.Ile676Thr (NM_001127510.3, NM_001354895.2, NM_001407450.1); c.1973T>C, p.Ile658Thr (NM_001127511.3); c.2081T>C, p.Ile694Thr (NM_001354896.2, NM_001407447.1, NM_001407448.1 and 1 more transcripts); c.2057T>C, p.Ile686Thr (NM_001354897.2); c.1952T>C, p.Ile651Thr (NM_001354898.2); c.1943T>C, p.Ile648Thr (NM_001354899.2); c.1904T>C, p.Ile635Thr (NM_001354900.2); c.1850T>C, p.Ile617Thr (NM_001354901.2, NM_001407453.1); and 11 more; short protein forms I292T, I575T, I585T, I658T, I669T, I676T, I393T, I547T.
Identifiers: ClinVar variation 4779591 (VCV004779591.1).

ClinVar aggregate classification (germline): Uncertain significance (1 of 4 stars; one submission).

Conditions:
Familial adenomatous polyposis 1 (FAP1). Also called: FAMILIAL ADENOMATOUS POLYPOSIS 1, ATTENUATED; POLYPOSIS, ADENOMATOUS INTESTINAL. Identifiers: MedGen C2713442, MONDO:0021056, OMIM 175100. Disease mechanism: loss of function.

Submission:

Labcorp Genetics (formerly Invitae), Labcorp
Classification: Uncertain significance for Familial adenomatous polyposis 1. Last evaluated: 2025-12-13. Review status: criteria provided, single submitter. Criteria: Invitae Variant Classification Sherloc (09022015). Collection method: clinical testing. Allele origin: germline.
Comment: This sequence change replaces isoleucine, which is neutral and non-polar, with threonine, which is neutral and polar, at codon 676 of the APC protein (p.Ile676Thr). This variant is not present in population databases (gnomAD no frequency). This variant has not been reported in the literature in individuals affected with APC-related conditions. Invitae Evidence Modeling of protein sequence and biophysical properties (such as structural, functional, and spatial information, amino acid conservation, physicochemical variation, residue mobility, and thermodynamic stability) indicates that this missense variant is not expected to disrupt APC protein function with a negative predictive value of 95%. In summary, the available evidence is currently insufficient to determine the role of this variant in disease. Therefore, it has been classified as a Variant of Uncertain Significance.